The following is an entry in ClinVar:

ClinVar aggregate classification (germline): Uncertain significance. Review status: criteria provided, multiple submitters, no conflicts (2 of 4 stars). 2 submissions from 2 submitters: Uncertain significance (2). Last evaluated 2022-01-03.

Conditions:
Combined immunodeficiency with skin granulomas. Identifiers: Orphanet 157949, MedGen C2673536, MONDO:0009306, OMIM 233650.
Severe combined immunodeficiency, autosomal recessive, T cell-negative, B cell-negative, NK cell-positive. Also called: SCID, AR, T-cell negative, B-cell negative, NK cell-positive; SCID, T CELL-NEGATIVE, B CELL-NEGATIVE, NK CELL-POSITIVE; Severe combined immunodeficiency due to complete RAG1/2 deficiency. Identifiers: Orphanet 331206, MedGen C1832322, MONDO:0011086, OMIM 601457.

gnomAD v4.1: 1 of 1,614,102 alleles (0.000062%); highest among the groups gnomAD compares: Non-Finnish European, 0.000085%; no homozygotes.

Submissions (2):

Labcorp Genetics (formerly Invitae), Labcorp
Classification: Uncertain significance for Combined immunodeficiency with skin granulomas; Severe combined immunodeficiency, autosomal recessive, T cell-negative, B cell-negative, NK cell-positive. Last evaluated: 2022-01-03. Review status: criteria provided, single submitter. Criteria: Invitae Variant Classification Sherloc (09022015). Collection method: clinical testing. Allele origin: germline.
Comment: This sequence change replaces phenylalanine, which is neutral and non-polar, with tyrosine, which is neutral and polar, at codon 520 of the RAG1 protein (p.Phe520Tyr). This variant is not present in population databases (gnomAD no frequency). This variant has not been reported in the literature in individuals affected with RAG1-related conditions. Algorithms developed to predict the effect of missense changes on protein structure and function are either unavailable or do not agree on the potential impact of this missense change (SIFT: "Deleterious"; PolyPhen-2: "Probably Damaging"; Align-GVGD: "Class C0"). In summary, the available evidence is currently insufficient to determine the role of this variant in disease. Therefore, it has been classified as a Variant of Uncertain Significance.

ARUP Laboratories, Molecular Genetics and Genomics, ARUP Laboratories
Classification: Uncertain significance. Review status: criteria provided, single submitter. Criteria: ARUP Molecular Germline Variant Investigation Process 2024. Collection method: clinical testing. Allele origin: germline.

NM_000448.3(RAG1):c.1559T>A (p.Phe520Tyr)

Gene: RAG1 (recombination activating 1; plus strand). Cytogenetic location: 11p12.
Variant type: single nucleotide variant.
Coding change: c.1559T>A on transcript NM_000448.3 (MANE Select); coding-DNA position 1559, T replaced by A.
Protein change: p.Phe520Tyr; replaces phenylalanine 520 with tyrosine.
Molecular consequence: missense variant.
Genome position (GRCh38, 1-based): chr11:36,574,863, T>A. VCF-style: chr11-36574863-T-A. GRCh37 (hg19) VCF-style: chr11-36596413-T-A.
Other names: c.1559T>A, p.Phe520Tyr (NM_001377277.1, NM_001377278.1, NM_001377279.1 and 1 more transcripts); short protein forms F520Y.
Identifiers: ClinVar variation 2072867 (VCV002072867.2), dbSNP rs1490273597, ClinGen allele CA380152793.